The following is an entry in ClinVar:

ClinVar aggregate classification (germline): Uncertain significance. Review status: criteria provided, multiple submitters, no conflicts (2 of 4 stars). 2 submissions from 2 submitters: Uncertain significance (2). Last evaluated 2025-05-05.

Conditions:
Hereditary cancer-predisposing syndrome. Also called: Neoplastic Syndromes, Hereditary; Tumor predisposition; Hereditary Cancer Syndrome; Hereditary neoplastic syndrome. Identifiers: Orphanet 140162, MedGen C0027672, MeSH D009386, MONDO:0015356.
Neuroblastoma, susceptibility to, 3. Also called: ALK-Related Neuroblastic Tumor Susceptibility. Identifiers: Orphanet 635, MedGen C2751681, MONDO:0013083, OMIM 613014.

gnomAD v4.1: 8 of 1,614,214 alleles (0.0005%); highest among the groups gnomAD compares: Non-Finnish European, 0.00068%; no homozygotes.

Submissions (2):

Labcorp Genetics (formerly Invitae), Labcorp
Classification: Uncertain significance for Neuroblastoma, susceptibility to, 3. Last evaluated: 2025-05-05. Review status: criteria provided, single submitter. Criteria: Invitae Variant Classification Sherloc (09022015). Collection method: clinical testing. Allele origin: germline.
Comment: This sequence change replaces alanine, which is neutral and non-polar, with serine, which is neutral and polar, at codon 877 of the ALK protein (p.Ala877Ser). This variant is present in population databases (rs746442213, gnomAD 0.0009%). This variant has not been reported in the literature in individuals affected with ALK-related conditions. ClinVar contains an entry for this variant (Variation ID: 566745). An algorithm developed to predict the effect of missense changes on protein structure and function (PolyPhen-2) suggests that this variant is likely to be disruptive. In summary, the available evidence is currently insufficient to determine the role of this variant in disease. Therefore, it has been classified as a Variant of Uncertain Significance.

Ambry Genetics
Classification: Uncertain significance for Hereditary cancer-predisposing syndrome. Last evaluated: 2025-01-21. Review status: criteria provided, single submitter. Criteria: Ambry Variant Classification Scheme 2023. Collection method: clinical testing. Allele origin: germline.
Comment: The p.A877S variant (also known as c.2629G>T), located in coding exon 15 of the ALK gene, results from a G to T substitution at nucleotide position 2629. The alanine at codon 877 is replaced by serine, an amino acid with similar properties. This amino acid position is highly conserved in available vertebrate species. In addition, this alteration is predicted to be tolerated by in silico analysis. Based on the available evidence, the clinical significance of this variant remains unclear.

NM_004304.5(ALK):c.2629G>T (p.Ala877Ser)

Gene: ALK (ALK receptor tyrosine kinase; minus strand). Cytogenetic location: 2p23.2.
Variant type: single nucleotide variant.
Coding change: c.2629G>T on transcript NM_004304.5 (MANE Select); coding-DNA position 2629, G replaced by T.
Protein change: p.Ala877Ser; replaces alanine 877 with serine.
Molecular consequence: missense variant.
Genome position (GRCh38, 1-based): chr2:29,232,307, C>A on the plus strand (G>T on the coding strand, the complement: ALK is on the minus strand). VCF-style: chr2-29232307-C-A. GRCh37 (hg19) VCF-style: chr2-29455173-C-A.
Other names: short protein forms A877S.
Identifiers: ClinVar variation 566745 (VCV000566745.9), dbSNP rs746442213, ClinGen allele CA1594249.